The following is an entry in ClinVar:

ClinVar aggregate classification (germline): Uncertain significance. Review status: criteria provided, multiple submitters, no conflicts (2 of 4 stars). 2 submissions from 2 submitters: Uncertain significance (2). Last evaluated 2024-02-28.

Conditions:
Congenital myopathy with internal nuclei and atypical cores. Also called: Myopathy, centronuclear, 4. Identifiers: Orphanet 319160, MedGen C4707232, MONDO:0013890, OMIM 614807.
Inborn genetic diseases. Identifiers: MedGen C0950123, MeSH D030342.

Allele frequency attached by ClinVar (database versions not stated): TOPMed 0.00001; gnomAD 0.00003; gnomAD exomes 0.00009; ExAC 0.00012.

Submissions (2):

Ambry Genetics
Classification: Uncertain significance for Inborn genetic diseases. Last evaluated: 2024-02-28. Review status: criteria provided, single submitter. Criteria: Ambry Variant Classification Scheme 2023. Collection method: clinical testing. Allele origin: germline.

Labcorp Genetics (formerly Invitae), Labcorp
Classification: Uncertain significance for Congenital myopathy with internal nuclei and atypical cores. Last evaluated: 2023-08-24. Review status: criteria provided, single submitter. Criteria: Invitae Variant Classification Sherloc (09022015). Collection method: clinical testing. Allele origin: germline.
Comment: This variant has not been reported in the literature in individuals affected with CCDC78-related conditions. This sequence change replaces arginine, which is basic and polar, with histidine, which is basic and polar, at codon 297 of the CCDC78 protein (p.Arg297His). This variant is present in population databases (rs768251031, gnomAD 0.05%), and has an allele count higher than expected for a pathogenic variant. ClinVar contains an entry for this variant (Variation ID: 947899). Advanced modeling of protein sequence and biophysical properties (such as structural, functional, and spatial information, amino acid conservation, physicochemical variation, residue mobility, and thermodynamic stability) performed at Invitae indicates that this missense variant is not expected to disrupt CCDC78 protein function. In summary, the available evidence is currently insufficient to determine the role of this variant in disease. Therefore, it has been classified as a Variant of Uncertain Significance.

NM_001378030.1(CCDC78):c.890G>A (p.Arg297His)

Gene: CCDC78 (coiled-coil domain containing 78; minus strand). Cytogenetic location: 16p13.3.
Variant type: single nucleotide variant.
Coding change: c.890G>A on transcript NM_001378030.1 (MANE Select); coding-DNA position 890, G replaced by A.
Protein change: p.Arg297His; replaces arginine 297 with histidine.
Molecular consequence: missense variant. On other transcripts: non-coding transcript variant (5).
Genome position (GRCh38, 1-based): chr16:724,385, C>T on the plus strand (G>A on the coding strand, the complement: CCDC78 is on the minus strand). VCF-style: chr16-724385-C-T. GRCh37 (hg19) VCF-style: chr16-774385-C-T.
Other names: c.890G>A, p.Arg297His (NM_001031737.3, NM_001378031.1); c.323G>A, p.Arg108His (NM_001378033.1); short protein forms R108H, R297H.
Identifiers: ClinVar variation 947899 (VCV000947899.10), dbSNP rs768251031, ClinGen allele CA7789362.
Genomic context (GRCh38, chr16:724,385, plus strand): 5'-TAGGCAACCAGTAGCTCTTCATGCCTGCGGCTCAGATCCACCAGCCTCTTGTGGTAGCTG[C>T]GGGCAGCCCGGGCCAGCTGCTGCTCACGGCTGCGGTGCGCTGCCCGGATGTCCTCCAGAG-3'
Protein context (NP_001364959.1, residues 287-307): SREQQLARAA[Arg297His]SYHKRLVDLS